The following is an entry in ClinVar:

ClinVar aggregate classification (germline): Pathogenic (1 of 4 stars; one submission).

Submission:

GeneDx
Classification: Pathogenic. Last evaluated: 2026-03-25. Review status: criteria provided, single submitter. Criteria: GeneDx Variant Classification Process June 2021. Collection method: clinical testing. Allele origin: germline.
Comment: Frameshift variant predicted to result in protein truncation or nonsense mediated decay in a gene for which loss of function is a known mechanism of disease; Identified in an individual from a cohort of patients with Smith-Magenis syndrome in published literature (PMID: 37628566); Not observed at significant frequency in large population cohorts (gnomAD); This variant is associated with the following publications: (PMID: 37628566)

NM_030665.4(RAI1):c.2257del (p.Asp753fs)

Gene: RAI1 (retinoic acid induced 1; plus strand). Cytogenetic location: 17p11.2.
Variant type: Deletion.
Coding change: c.2257del on transcript NM_030665.4 (MANE Select); coding-DNA position 2257, one base deleted (G; older notation c.2257delG).
Protein change: p.Asp753fs; shifts the reading frame from aspartic acid 753.
Molecular consequence: frameshift variant.
Genome position (GRCh38, 1-based): chr17:17,795,205, G deleted; the last of 5 consecutive G bases (chr17:17,795,201-17,795,205); deleting any one gives the same sequence. VCF-style (leftmost placement, unchanged base first): chr17-17795200-TG-T. GRCh37 (hg19) VCF-style: chr17-17698514-TG-T.
Other names: short protein forms D753fs.
Identifiers: ClinVar variation 5016840 (VCV005016840.1).
Genomic context (GRCh38, chr17:17,795,200, plus strand): 5'-ACACAACCGCTGCCAGCTCAGCGGACAGCGCCAACCCCTTTGCCTGGCCAGAGGAAAACC[TG>T]GGGGATGCTTGTCCCAGGTGGGGATTGCACCCTGGCGAGCTTACCAAGGGCCTGGAGCAG-3'